The following is an entry in ClinVar:

ClinVar aggregate classification (germline): Uncertain significance. Review status: criteria provided, multiple submitters, no conflicts (2 of 4 stars). 2 submissions from 2 submitters: Uncertain significance (2). Last evaluated 2023-07-25.

Conditions:
Retinoblastoma (RB1). Also called: RETINOBLASTOMA, SOMATIC. Identifiers: Orphanet 790, MedGen C0035335, MeSH D012175, MONDO:0008380, OMIM 180200, HP:0009919. Disease mechanism: loss of function. Inheritance: Both sporadic and heritable forms are tested..

Submissions (2):

Labcorp Genetics (formerly Invitae), Labcorp
Classification: Uncertain significance for Retinoblastoma. Last evaluated: 2023-07-25. Review status: criteria provided, single submitter. Criteria: Invitae Variant Classification Sherloc (09022015). Collection method: clinical testing. Allele origin: germline.
Comment: This sequence change replaces glycine, which is neutral and non-polar, with arginine, which is basic and polar, at codon 881 of the RB1 protein (p.Gly881Arg). This variant is not present in population databases (gnomAD no frequency). This variant has not been reported in the literature in individuals affected with RB1-related conditions. Advanced modeling of protein sequence and biophysical properties (such as structural, functional, and spatial information, amino acid conservation, physicochemical variation, residue mobility, and thermodynamic stability) performed at Invitae indicates that this missense variant is expected to disrupt RB1 protein function. In summary, the available evidence is currently insufficient to determine the role of this variant in disease. Therefore, it has been classified as a Variant of Uncertain Significance.

All of Us Research Program, National Institutes of Health
Classification: Uncertain significance for Retinoblastoma. Last evaluated: 2023-03-23. Review status: criteria provided, single submitter. Criteria: ACMG Guidelines, 2015. Collection method: clinical testing. Allele origin: germline. Inheritance: Autosomal dominant inheritance. Observed: 1 variant allele, 1 heterozygote.
Comment: This missense variant replaces glycine with arginine at codon 881 of the RB1 protein. Computational prediction suggests that this variant may have deleterious impact on protein structure and function (internally defined REVEL score threshold >= 0.7, PMID: 27666373). To our knowledge, functional studies have not been reported for this variant. This variant has not been reported in individuals affected with RB1-related disorders in the literature. This variant has not been identified in the general population by the Genome Aggregation Database (gnomAD). The available evidence is insufficient to determine the role of this variant in disease conclusively. Therefore, this variant is classified as a Variant of Uncertain Significance.

This study involves interpretation of variants in research participants for the purpose of population health screening. Participant phenotype was not available at the time of variant classification. Additional details can be found in publication PMID: 35346344, PMCID: PMC8962531

NM_000321.3(RB1):c.2641G>C (p.Gly881Arg)

Gene: RB1 (RB transcriptional corepressor 1; plus strand). Cytogenetic location: 13q14.2.
Variant type: single nucleotide variant.
Coding change: c.2641G>C on transcript NM_000321.3 (MANE Select); coding-DNA position 2641, G replaced by C.
Protein change: p.Gly881Arg; replaces glycine 881 with arginine.
Molecular consequence: missense variant.
Genome position (GRCh38, 1-based): chr13:48,476,821, G>C. VCF-style: chr13-48476821-G-C. GRCh37 (hg19) VCF-style: chr13-49050957-G-C.
Other names: c.2641G>C, p.Gly881Arg (NM_001407165.1); c.91G>C, p.Gly31Arg (NM_001407168.1); short protein forms G31R, G881R.
Identifiers: ClinVar variation 2746870 (VCV002746870.4), dbSNP rs1949507125, ClinGen allele CA388157581.